The following is an entry in ClinVar:

ClinVar aggregate classification (germline): Uncertain significance. Review status: criteria provided, multiple submitters, no conflicts (2 of 4 stars). 2 submissions from 2 submitters: Uncertain significance (2). Last evaluated 2024-02-07.

Conditions:
Facioscapulohumeral muscular dystrophy 2 (FSHD2). Also called: MUSCULAR DYSTROPHY, FACIOSCAPULOHUMERAL, TYPE 1B; FACIOSCAPULOHUMERAL MUSCULAR DYSTROPHY 2, DIGENIC; FSHD2, DIGENIC. Identifiers: Orphanet 269, MedGen C1834671, MONDO:0008031, OMIM 158901.

Allele frequency attached by ClinVar (database versions not stated): ExAC 0.00002.
gnomAD v4.1: 13 of 1,592,534 alleles (0.00082%); highest among the groups gnomAD compares: South Asian, 0.0023%; no homozygotes.

Submissions (2):

Labcorp Genetics (formerly Invitae), Labcorp
Classification: Uncertain significance for Facioscapulohumeral muscular dystrophy 2. Last evaluated: 2024-02-07. Review status: criteria provided, single submitter. Criteria: Invitae Variant Classification Sherloc (09022015). Collection method: clinical testing. Allele origin: germline.
Comment: This sequence change replaces arginine, which is basic and polar, with histidine, which is basic and polar, at codon 1965 of the SMCHD1 protein (p.Arg1965His). The frequency data for this variant in the population databases is considered unreliable, as metrics indicate poor data quality at this position in the gnomAD database. This variant has not been reported in the literature in individuals affected with SMCHD1-related conditions. Advanced modeling of protein sequence and biophysical properties (such as structural, functional, and spatial information, amino acid conservation, physicochemical variation, residue mobility, and thermodynamic stability) performed at Invitae indicates that this missense variant is not expected to disrupt SMCHD1 protein function with a negative predictive value of 80%. In summary, the available evidence is currently insufficient to determine the role of this variant in disease. Therefore, it has been classified as a Variant of Uncertain Significance.

Revvity Omics, Revvity
Classification: Uncertain significance. Last evaluated: 2023-06-30. Review status: criteria provided, single submitter. Criteria: ACMG Guidelines, 2015. Collection method: clinical testing. Allele origin: germline.

NM_015295.3(SMCHD1):c.5894G>A (p.Arg1965His)

Gene: SMCHD1 (structural maintenance of chromosomes flexible hinge domain containing 1; plus strand). Cytogenetic location: 18p11.32.
Variant type: single nucleotide variant.
Coding change: c.5894G>A on transcript NM_015295.3 (MANE Select); coding-DNA position 5894, G replaced by A.
Protein change: p.Arg1965His; replaces arginine 1965 with histidine.
Molecular consequence: missense variant.
Genome position (GRCh38, 1-based): chr18:2,796,422, G>A. VCF-style: chr18-2796422-G-A. GRCh37 (hg19) VCF-style: chr18-2796420-G-A.
Other names: short protein forms R1965H.
Identifiers: ClinVar variation 2690050 (VCV002690050.4), dbSNP rs755578313, ClinGen allele CA8871813.